The following is an entry in ClinVar:

ClinVar aggregate classification (germline): Uncertain significance. Review status: criteria provided, multiple submitters, no conflicts (2 of 4 stars). 2 submissions from 2 submitters: Uncertain significance (2). Last evaluated 2025-10-22.

Allele frequency attached by ClinVar (database versions not stated): gnomAD exomes below 0.00001; TOPMed 0.00002; gnomAD 0.00003.
gnomAD v4.1: 35 of 1,612,690 alleles (0.0022%); highest among the groups gnomAD compares: Non-Finnish European, 0.0028%; no homozygotes.

Submissions (2):

Ambry Genetics
Classification: Uncertain significance. Last evaluated: 2025-10-22. Review status: criteria provided, single submitter. Criteria: Ambry Variant Classification Scheme 2023. Collection method: clinical testing. Allele origin: germline.

Labcorp Genetics (formerly Invitae), Labcorp
Classification: Uncertain significance. Last evaluated: 2022-07-05. Review status: criteria provided, single submitter. Criteria: Invitae Variant Classification Sherloc (09022015). Collection method: clinical testing. Allele origin: germline.
Comment: This sequence change replaces proline, which is neutral and non-polar, with leucine, which is neutral and non-polar, at codon 622 of the SAMD11 protein (p.Pro622Leu). This variant is present in population databases (no rsID available, gnomAD 0.003%). This variant has not been reported in the literature in individuals affected with SAMD11-related conditions. ClinVar contains an entry for this variant (Variation ID: 1008282). Algorithms developed to predict the effect of missense changes on protein structure and function are either unavailable or do not agree on the potential impact of this missense change (SIFT: "Deleterious"; PolyPhen-2: "Possibly Damaging"; Align-GVGD: "Class C0"). In summary, the available evidence is currently insufficient to determine the role of this variant in disease. Therefore, it has been classified as a Variant of Uncertain Significance.

NM_001385641.1(SAMD11):c.2354C>T (p.Pro785Leu)

Gene: SAMD11 (sterile alpha motif domain containing 11; plus strand). Cytogenetic location: 1p36.33.
Variant type: single nucleotide variant.
Coding change: c.2354C>T on transcript NM_001385641.1 (MANE Select); coding-DNA position 2354, C replaced by T.
Protein change: p.Pro785Leu; replaces proline 785 with leucine.
Molecular consequence: missense variant.
Genome position (GRCh38, 1-based): chr1:943,972, C>T. VCF-style: chr1-943972-C-T. GRCh37 (hg19) VCF-style: chr1-879352-C-T.
Other names: c.2357C>T, p.Pro786Leu (NM_001385640.1); c.1865C>T, p.Pro622Leu (NM_152486.4); c.1865C>T (NM_152486.2); short protein forms P622L, P785L, P786L.
Identifiers: ClinVar variation 1008282 (VCV001008282.9), dbSNP rs916588855, ClinGen allele CA16728260.
Genomic context (GRCh38, chr1:943,972, plus strand): 5'-CCAGGCGCCTGGGCCGAGTTTTCTACGTGGCCAGCTTCCCCGTGGCTCTGCCACTGCAGC[C>T]ACCAACCCTGCGGGCCCCGGAGCGAGAACTCGGCACAGGAGAGCAGCCCTTGTCCCCCAC-3'
Protein context (NP_001372570.1, residues 775-795): ASFPVALPLQ[Pro785Leu]PTLRAPEREL